The following is an entry in ClinVar:

ClinVar aggregate classification (germline): Pathogenic (1 of 4 stars; one submission).

Conditions:
Emery-Dreifuss muscular dystrophy 4, autosomal dominant (EDMD4). Also called: EMERY-DREIFUSS MUSCULAR DYSTROPHY 4 WITH VARIABLE FEATURES. Identifiers: Orphanet 261, MedGen C2751807, MONDO:0013071, OMIM 612998.
Autosomal recessive ataxia, Beauce type. Also called: Spinocerebellar ataxia, autosomal recessive 8; ATAXIA, RECESSIVE, OF BEAUCE; SYNE1 Deficiency; SYNE1-Related Autosomal Recessive Cerebellar Ataxia. Identifiers: Orphanet 88644, MedGen C1853116, MONDO:0012549, OMIM 610743.

Submission:

Labcorp Genetics (formerly Invitae), Labcorp
Classification: Pathogenic for Emery-Dreifuss muscular dystrophy 4, autosomal dominant; Autosomal recessive ataxia, Beauce type. Last evaluated: 2020-07-10. Review status: criteria provided, single submitter. Criteria: Invitae Variant Classification Sherloc (09022015). Collection method: clinical testing. Allele origin: germline.
Comment: This sequence change creates a premature translational stop signal (p.Asp6656Thrfs*3) in the SYNE1 gene. It is expected to result in an absent or disrupted protein product. This variant is not present in population databases (ExAC no frequency). This variant has not been reported in the literature in individuals with SYNE1-related conditions. Loss-of-function variants in SYNE1 are known to be pathogenic (PMID: 19542096, 24319099, 27086870). For these reasons, this variant has been classified as Pathogenic.

Literature cited by the submitters: PubMed 19542096; PubMed 24319099; PubMed 27086870.

NM_182961.4(SYNE1):c.20179del (p.Asp6727fs)

Gene: SYNE1 (spectrin repeat containing nuclear envelope protein 1; minus strand). Cytogenetic location: 6q25.2.
Variant type: Deletion.
Coding change: c.20179del on transcript NM_182961.4 (MANE Select); coding-DNA position 20179, one base deleted (G; older notation c.20179delG).
Protein change: p.Asp6727fs; shifts the reading frame from aspartic acid 6727.
Molecular consequence: frameshift variant.
Genome position (GRCh38, 1-based): chr6:152,236,837, C deleted on the plus strand (G on the coding strand, the reverse complement: SYNE1 is on the minus strand). VCF-style (leftmost placement, unchanged base first): chr6-152236836-TC-T. GRCh37 (hg19) VCF-style: chr6-152557971-TC-T.
Other names: c.19966del, p.Asp6656fs (NM_033071.5); short protein forms D6656fs, D6727fs.
Identifiers: ClinVar variation 1069554 (VCV001069554.2), dbSNP rs2153537904, ClinGen allele CA2499218139.